The following is an entry in ClinVar:

ClinVar aggregate classification (germline): Benign/Likely benign. Review status: criteria provided, multiple submitters, no conflicts (2 of 4 stars). 23 submissions from 20 submitters: Benign (15); Likely benign (3). 5 of the submissions do not count toward it. Last evaluated 2026-02-03.

Conditions:
Cardiovascular phenotype. Identifiers: MedGen CN230736.
Dilated cardiomyopathy 1G (CMD1G). Identifiers: Orphanet 154, MedGen C1858763, MONDO:0011400, OMIM 604145.
Autosomal recessive limb-girdle muscular dystrophy type 2J (LGMDR10). Also called: Limb-girdle muscular dystrophy, type 2J; MUSCULAR DYSTROPHY, LIMB-GIRDLE, AUTOSOMAL RECESSIVE 10. Identifiers: Orphanet 140922, MedGen C1837342, MONDO:0012127, OMIM 608807.
Cardiomyopathy (CMYO). Also called: Cardiomyopathies. Identifiers: Orphanet 167848, MedGen C0878544, MONDO:0004994, HP:0001638. Inheritance: Various modes of inheritance.
Early-onset myopathy with fatal cardiomyopathy (CMYO5). Also called: CONGENITAL MYOPATHY 5 WITH CARDIOMYOPATHY; Salih Myopathy. Identifiers: Orphanet 289377, MedGen C2673677, MONDO:0012714, OMIM 611705. Disease mechanism: loss of function.
Myopathy, myofibrillar, 9, with early respiratory failure (MFM9). Also called: Myopathy, distal, with early respiratory failure, autosomal dominant; EDSTROM MYOPATHY; MYOPATHY, PROXIMAL, WITH EARLY RESPIRATORY MUSCLE INVOLVEMENT; Hereditary myopathy with early respiratory failure. Identifiers: Orphanet 178464, Orphanet 34521, MedGen C1863599, MONDO:0011362, OMIM 603689.
Tibial muscular dystrophy (TMD). Also called: Tibial muscular dystrophy, tardive; Udd Distal Myopathy – Tibial Muscular Dystrophy; UDD MYOPATHY. Identifiers: Orphanet 609, MedGen C1838244, MONDO:0010870, OMIM 600334.
Primary dilated cardiomyopathy (DCM). Also called: Dilated Cardiomyopathy. Identifiers: Orphanet 217604, MedGen C0007193, MeSH D002311, MONDO:0005021, HP:0001644. Inheritance: Various modes of inheritance.

Allele frequency attached by ClinVar (database versions not stated): TOPMed 0.00107; 1000 Genomes Project 30x 0.00578; gnomAD 0.00184 and 0.00111; 1000 Genomes Project 0.00599; ESP Exome Variant Server 0.00148.
gnomAD v4.1: 3,600 of 1,613,882 alleles (0.22%); highest among the groups gnomAD compares: South Asian, 2.2%; 53 homozygotes.

Submissions (23):

Labcorp Genetics (formerly Invitae), Labcorp
Classification: Benign for Dilated cardiomyopathy 1G; Autosomal recessive limb-girdle muscular dystrophy type 2J. Last evaluated: 2026-02-03. Review status: criteria provided, single submitter. Criteria: Invitae Variant Classification Sherloc (09022015). Collection method: clinical testing. Allele origin: germline.

Genomic Medicine Center of Excellence, King Faisal Specialist Hospital and Research Centre
Classification: Likely benign. Last evaluated: 2025-08-18. Review status: criteria provided, single submitter. Criteria: ACMG Guidelines, 2015. Collection method: clinical testing. Allele origin: germline.

ARUP Laboratories, Molecular Genetics and Genomics, ARUP Laboratories
Classification: Benign. Last evaluated: 2025-06-23. Review status: criteria provided, single submitter. Criteria: ARUP Molecular Germline Variant Investigation Process 2024. Collection method: clinical testing. Allele origin: germline.

Molecular Diagnostic Laboratory for Inherited Cardiovascular Disease, Montreal Heart Institute
Classification: Benign. Last evaluated: 2025-04-09. Review status: criteria provided, single submitter. Criteria: ACMG Guidelines, 2015. Collection method: clinical testing. Allele origin: germline. Affected: no.

Athena Diagnostics
Classification: Benign. Last evaluated: 2025-01-21. Review status: criteria provided, single submitter. Criteria: Athena Diagnostics Criteria. Collection method: clinical testing. Allele origin: unknown.
Comment: The frequency of this variant in the general population is higher than would generally be expected for pathogenic variants in this gene.

Mayo Clinic Laboratories, Mayo Clinic
Classification: Benign. Last evaluated: 2023-06-16. Review status: criteria provided, single submitter. Criteria: ACMG Guidelines, 2015. Collection method: clinical testing. Allele origin: germline. Observed: 6 variant alleles.
Comment: BS1, BS2

CHEO Genetics Diagnostic Laboratory, Children's Hospital of Eastern Ontario
Classification: Benign for Cardiomyopathy. Last evaluated: 2022-11-18. Review status: criteria provided, single submitter. Criteria: ACMG Guidelines, 2015. Collection method: clinical testing. Allele origin: germline.

Genome-Nilou Lab
Classification: Benign for Autosomal recessive limb-girdle muscular dystrophy type 2J. Last evaluated: 2021-09-10. Review status: criteria provided, single submitter. Criteria: ACMG Guidelines, 2015. Collection method: clinical testing. Allele origin: germline. Affected: no.

Genome-Nilou Lab
Classification: Benign for Myopathy, myofibrillar, 9, with early respiratory failure. Last evaluated: 2021-09-10. Review status: criteria provided, single submitter. Criteria: ACMG Guidelines, 2015. Collection method: clinical testing. Allele origin: germline. Affected: no.

Genome-Nilou Lab
Classification: Benign for Early-onset myopathy with fatal cardiomyopathy. Last evaluated: 2021-09-10. Review status: criteria provided, single submitter. Criteria: ACMG Guidelines, 2015. Collection method: clinical testing. Allele origin: germline. Affected: no.

Genome-Nilou Lab
Classification: Benign for Tibial muscular dystrophy. Last evaluated: 2021-09-10. Review status: criteria provided, single submitter. Criteria: ACMG Guidelines, 2015. Collection method: clinical testing. Allele origin: germline. Affected: no.

Center for Advanced Laboratory Medicine, UC San Diego Health, University of California San Diego
Classification: Benign for Dilated cardiomyopathy. Last evaluated: 2017-02-28. Review status: criteria provided, single submitter. Criteria: ACMG Guidelines, 2015. Collection method: clinical testing. Allele origin: germline. Affected: yes. Observed: 1 variant allele.

GeneDx
Classification: Benign. Last evaluated: 2016-02-08. Review status: criteria provided, single submitter. Criteria: GeneDx Variant Classification (06012015). Collection method: clinical testing. Allele origin: germline. Affected: yes.
Comment: This variant is considered likely benign or benign based on one or more of the following criteria: it is a conservative change, it occurs at a poorly conserved position in the protein, it is predicted to be benign by multiple in silico algorithms, and/or has population frequency not consistent with disease.

Ambry Genetics
Classification: Benign for Cardiovascular phenotype. Last evaluated: 2016-01-06. Review status: criteria provided, single submitter. Criteria: Ambry Variant Classification Scheme 2023. Collection method: clinical testing. Allele origin: germline.

Eurofins Ntd Llc (ga)
Classification: Benign. Last evaluated: 2015-09-01. Review status: criteria provided, single submitter. Criteria: EGL Classification Definitions 2015. Collection method: clinical testing. Allele origin: germline. Observed: 1 variant allele, 1 heterozygote.

Laboratory for Molecular Medicine, Mass General Brigham Personalized Medicine
Classification: Benign. Last evaluated: 2015-02-25. Review status: criteria provided, single submitter. Criteria: LMM Criteria. Collection method: clinical testing. Allele origin: germline. Observed: 14 variant alleles.
Comment: p.Gly4382Asp in exon 45B of TTN: This variant is not expected to have clinical s ignificance because it has been identified in 2.4% (392/16508) of South Asian ch romosomes by the Exome Aggregation Consortium (ExAC. org; dbSNP rs55857742).

Biesecker Lab/Clinical Genomics Section, National Institutes of Health
Classification: Likely benign. Last evaluated: 2013-06-24. Review status: criteria provided, single submitter. Criteria: Ng et al. (Circ Cardiovasc Genet. 2013). Collection method: research. Allele origin: unknown. Observed: 5 variant alleles. Study: ClinSeq.
Comment: The study set was not selected for affection status in relation to any cancer. Pathogenicity categories were based on literature curation. See Pubmed ID:23861362 for details.

Medical sequencing

Breakthrough Genomics
Classification: Likely benign. Review status: criteria provided, single submitter. Criteria: ACMG Guidelines, 2015. Collection method: not provided. Allele origin: germline. Inheritance: Autosomal recessive inheritance. Affected: yes.

Clinical Genetics DNA and cytogenetics Diagnostics Lab, Erasmus MC, Erasmus Medical Center
Classification: Likely benign. Review status: no assertion criteria provided. Collection method: clinical testing. Allele origin: germline. Affected: yes. Study: VKGL Data-share Consensus. Not counted in ClinVar's aggregate classification.

Clinical Genetics, Academic Medical Center
Classification: Benign. Review status: no assertion criteria provided. Collection method: clinical testing. Allele origin: germline. Affected: yes. Study: VKGL Data-share Consensus. Not counted in ClinVar's aggregate classification.

Diagnostic Laboratory, Department of Genetics, University Medical Center Groningen
Classification: Likely benign. Review status: no assertion criteria provided. Collection method: clinical testing. Allele origin: germline. Affected: yes. Study: VKGL Data-share Consensus. Not counted in ClinVar's aggregate classification.

Joint Genome Diagnostic Labs from Nijmegen and Maastricht, Radboudumc and MUMC+
Classification: Benign. Review status: no assertion criteria provided. Collection method: clinical testing. Allele origin: germline. Affected: yes. Study: VKGL Data-share Consensus. Not counted in ClinVar's aggregate classification.

Laboratory of Diagnostic Genome Analysis, Leiden University Medical Center (LUMC)
Classification: Likely benign. Review status: no assertion criteria provided. Collection method: clinical testing. Allele origin: germline. Affected: yes. Study: VKGL Data-share Consensus. Not counted in ClinVar's aggregate classification.

Literature cited by the submitters: PubMed 23861362 (cited by Athena Diagnostics).

NM_001267550.2(TTN):c.13859G>A (p.Gly4620Asp)

Gene: TTN (titin; minus strand). Cytogenetic location: 2q31.2.
Variant type: single nucleotide variant.
Coding change: c.13859G>A on transcript NM_001267550.2 (MANE Select); coding-DNA position 13859, G replaced by A.
Protein change: p.Gly4620Asp; replaces glycine 4620 with aspartic acid.
Molecular consequence: missense variant. On other transcripts: intron variant (1).
Genome position (GRCh38, 1-based): chr2:178,739,374, C>T on the plus strand (G>A on the coding strand, the complement: TTN is on the minus strand). VCF-style: chr2-178739374-C-T. GRCh37 (hg19) VCF-style: chr2-179604101-C-T.
Other names: p.G4303D:GGT>GAT; p.Gly4303Asp; c.12908G>A, p.Gly4303Asp (NM_001256850.1); c.12770G>A, p.Gly4257Asp (NM_003319.4); c.13145G>A, p.Gly4382Asp (NM_133432.3); c.13346G>A, p.Gly4449Asp (NM_133437.4); c.10361-1014G>A (NM_133378.4); short protein forms G4620D, G4382D, G4303D, G4257D, G4449D.
Identifiers: ClinVar variation 47841 (VCV000047841.51), dbSNP rs55857742, ClinGen allele CA142017.
Genomic context (GRCh38, chr2:178,739,374, plus strand): 5'-TCAAAATACCAATTCACCTCTTTAGCATTTGTTATGGATGTTGTGAGGTGTACAATATCA[C>T]CTTCCTCAGAAACAGTGTCCACTAAAGGTGTATGTATCATGGGGCCATCCTCTTTGATTA-3'
Protein context (NP_001254479.2, residues 4610-4630): TPLVDTVSEE[Gly4620Asp]DIVHLTTSIT